The following is an entry in ClinVar:

NM_031308.4(EPPK1):c.6879C>T (p.Gly2293=)

Gene: EPPK1 (epiplakin 1; minus strand). Cytogenetic location: 8q24.3.
Variant type: single nucleotide variant.
Coding change: c.6879C>T on transcript NM_031308.4 (MANE Select); coding-DNA position 6879, C replaced by T.
Protein change: p.Gly2293=; no amino-acid change (glycine 2293 retained).
Molecular consequence: synonymous variant.
Genome position (GRCh38, 1-based): chr8:143,866,375, G>A on the plus strand (C>T on the coding strand, the complement: EPPK1 is on the minus strand). VCF-style: chr8-143866375-G-A.
Identifiers: ClinVar variation 3035784 (VCV003035784.1), dbSNP rs1354591378, ClinGen allele CA372481868.
Genomic context (GRCh38, chr8:143,866,375, plus strand): 5'-GGGGTCGGTGTAGCCGGTGACGGCGCGCTCGGCCGACAGCAGCTTCTCCTGGATCTCGCC[G>A]CCCACCACGCCCGCGGCCACGGCCTCCTCCACCGACAGCCTCAGGTTGCGCACGGGGTCG-3'
Protein context (NP_112598.3, residues 2283-2303): VEEAVAAGVV[Gly2293=]GEIQEKLLSA

ClinVar aggregate classification (germline): Likely benign (1 of 4 stars; one submission).

Conditions:
EPPK1-related disorder. Also called: EPPK1-related condition.

Allele frequency attached by ClinVar (database versions not stated): gnomAD exomes 0.00001; 1000 Genomes Project 30x 0.00031.

Submission:

PreventionGenetics, part of Exact Sciences
Classification: Likely benign for EPPK1-related condition. Last evaluated: 2021-04-19. Review status: criteria provided, single submitter. Criteria: ACMG Guidelines, 2015. Collection method: clinical testing. Allele origin: germline.
Comment: This variant is classified as likely benign based on ACMG/AMP sequence variant interpretation guidelines (Richards et al. 2015 PMID: 25741868, with internal and published modifications).